The following is an entry in ClinVar:

ClinVar aggregate classification (germline): Uncertain significance (1 of 4 stars; one submission).

Conditions:
Cardiovascular phenotype. Identifiers: MedGen CN230736.

Submission:

Ambry Genetics
Classification: Uncertain significance for Cardiovascular phenotype. Last evaluated: 2025-07-15. Review status: criteria provided, single submitter. Criteria: Ambry Variant Classification Scheme 2023. Collection method: clinical testing. Allele origin: germline.
Comment: The p.S1518C variant (also known as c.4553C>G), located in coding exon 31 of the MYH7 gene, results from a C to G substitution at nucleotide position 4553. The serine at codon 1518 is replaced by cysteine, an amino acid with dissimilar properties. This amino acid position is not well conserved in available vertebrate species. In addition, this alteration is predicted to be tolerated by in silico analysis. Based on the available evidence, the clinical significance of this variant remains unclear.

NM_000257.4(MYH7):c.4553C>G (p.Ser1518Cys)

Genes: MHRT (myosin heavy chain associated RNA transcript; plus strand), MYH7 (myosin heavy chain 7; minus strand). Cytogenetic location: 14q11.2.
Variant type: single nucleotide variant.
Coding change: c.4553C>G on transcript NM_000257.4 (MANE Select); coding-DNA position 4553, C replaced by G.
Protein change: p.Ser1518Cys; replaces serine 1518 with cysteine.
Molecular consequence: missense variant. On other transcripts: non-coding transcript variant (1).
Genome position (GRCh38, 1-based): chr14:23,416,959, G>C on the plus strand (C>G on the coding strand, the complement: MYH7 is on the minus strand). VCF-style: chr14-23416959-G-C. GRCh37 (hg19) VCF-style: chr14-23886168-G-C.
Other names: c.4553C>G, p.Ser1518Cys (NM_001407004.1); short protein forms S1518C.
Identifiers: ClinVar variation 4114879 (VCV004114879.1).
Genomic context (GRCh38, chr14:23,416,959, plus strand): 5'-ATCTTCTCGGCCTCCAGCTGCTTTCGGACCTTCTCCAGCTCATGGATAGTCTTTCCGCTG[G>C]AACCCAACTGCTCAGTCAAGTCGGAGATCTCCTCTGTGTGGGGAACACGGTAACTCGGTT-3'
Protein context (NP_000248.2, residues 1508-1528): EISDLTEQLG[Ser1518Cys]SGKTIHELEK